The following is an entry in ClinVar:

ClinVar aggregate classification (germline): Likely pathogenic (1 of 4 stars; one submission).

Conditions:
Congenital lactic acidosis, Saguenay-Lac-Saint-Jean type (MC4DN5). Also called: MITOCHONDRIAL COMPLEX IV DEFICIENCY, NUCLEAR TYPE 5; CYTOCHROME c OXIDASE DEFICIENCY, FRENCH CANADIAN TYPE; COX DEFICIENCY, FRENCH CANADIAN TYPE. Identifiers: Orphanet 70472, MedGen C1857355, MONDO:0009069, OMIM 220111.

Submission:

Myriad Genetics, Inc.
Classification: Likely pathogenic for Congenital lactic acidosis, Saguenay-Lac-Saint-Jean type. Last evaluated: 2022-03-03. Review status: criteria provided, single submitter. Criteria: Myriad Women's Health Autosomal Recessive and X-Linked Classification Criteria (2021). Collection method: clinical testing. Allele origin: unknown.
Comment: NM_133259.3(LRPPRC):c.151G>T(G51*) is expected to be pathogenic in the context of Leigh syndrome, French-Canadian type. This variant is predicted to lead to an abnormal or absent protein product due to the creation of a premature termination codon in LRPPRC, a gene where loss-of-function variants are known to be pathogenic. Please note: this variant was assessed in the context of healthy population screening.

NM_133259.4(LRPPRC):c.151G>T (p.Gly51Ter)

Gene: LRPPRC (leucine rich pentatricopeptide repeat containing; minus strand). Cytogenetic location: 2p21.
Variant type: single nucleotide variant.
Coding change: c.151G>T on transcript NM_133259.4 (MANE Select); coding-DNA position 151, G replaced by T.
Protein change: p.Gly51Ter; replaces glycine 51 with a stop codon.
Molecular consequence: nonsense.
Genome position (GRCh38, 1-based): chr2:43,982,433, C>A on the plus strand (G>T on the coding strand, the complement: LRPPRC is on the minus strand). VCF-style: chr2-43982433-C-A. GRCh37 (hg19) VCF-style: chr2-44209572-C-A.
Other names: short protein forms G51*.
Identifiers: ClinVar variation 1724966 (VCV001724966.2), dbSNP rs199606252, ClinGen allele CA346678453.